The following is an entry in ClinVar:

NM_006080.3(SEMA3A):c.811-6T>C

Gene: SEMA3A (semaphorin 3A; minus strand). Cytogenetic location: 7q21.11.
Variant type: single nucleotide variant.
Coding change: c.811-6T>C on transcript NM_006080.3 (MANE Select); 6 bases into the intron before coding-DNA position 811, T replaced by C.
Molecular consequence: intron variant.
Genome position (GRCh38, 1-based): chr7:84,011,303, A>G on the plus strand (T>C on the coding strand, the complement: SEMA3A is on the minus strand). VCF-style: chr7-84011303-A-G. GRCh37 (hg19) VCF-style: chr7-83640619-A-G.
Identifiers: ClinVar variation 3355038 (VCV003355038.1).

ClinVar aggregate classification (germline): Uncertain significance (0 of 4 stars; one submission).

Conditions:
SEMA3A-related disorder. Also called: SEMA3A-related condition.

gnomAD v4.1: 22 of 1,558,158 alleles (0.0014%); highest among the groups gnomAD compares: Non-Finnish European, 0.0019%; no homozygotes.

Submission:

PreventionGenetics, part of Exact Sciences
Classification: Uncertain significance for SEMA3A-related condition. Last evaluated: 2024-04-11. Review status: no assertion criteria provided. Collection method: clinical testing. Allele origin: germline.
Comment: The SEMA3A c.811-6T>C variant is predicted to interfere with splicing. To our knowledge, this variant has not been reported in the literature. This variant is reported in 0.00088% of alleles in individuals of European (Non-Finnish) descent in gnomAD. At this time, the clinical significance of this variant is uncertain due to the absence of conclusive functional and genetic evidence.